The following is an entry in ClinVar:

NM_000327.4(ROM1):c.758G>A (p.Cys253Tyr)

Gene: ROM1 (retinal outer segment membrane protein 1; plus strand). Cytogenetic location: 11q12.3.
Variant type: single nucleotide variant.
Coding change: c.758G>A on transcript NM_000327.4 (MANE Select); coding-DNA position 758, G replaced by A.
Protein change: p.Cys253Tyr; replaces cysteine 253 with tyrosine.
Molecular consequence: missense variant.
Genome position (GRCh38, 1-based): chr11:62,614,425, G>A. VCF-style: chr11-62614425-G-A. GRCh37 (hg19) VCF-style: chr11-62381897-G-A.
Other names: short protein forms C253Y.
Identifiers: ClinVar variation 851429 (VCV000851429.7), dbSNP rs754327721, ClinGen allele CA6049830.

ClinVar aggregate classification (germline): Uncertain significance (1 of 4 stars; one submission).

Allele frequency attached by ClinVar (database versions not stated): ExAC 0.00001; gnomAD 0.00001; gnomAD exomes 0.00001 and 0.00002; TOPMed 0.00003.
gnomAD v4.1: 24 of 1,614,068 alleles (0.0015%); highest among the groups gnomAD compares: Admixed American, 0.005%; no homozygotes.

Submission:

Labcorp Genetics (formerly Invitae), Labcorp
Classification: Uncertain significance. Last evaluated: 2022-09-13. Review status: criteria provided, single submitter. Criteria: Invitae Variant Classification Sherloc (09022015). Collection method: clinical testing. Allele origin: germline.
Comment: In summary, the available evidence is currently insufficient to determine the role of this variant in disease. Therefore, it has been classified as a Variant of Uncertain Significance. Advanced modeling of protein sequence and biophysical properties (such as structural, functional, and spatial information, amino acid conservation, physicochemical variation, residue mobility, and thermodynamic stability) has been performed at Invitae for this missense variant, however the output from this modeling did not meet the statistical confidence thresholds required to predict the impact of this variant on ROM1 protein function. ClinVar contains an entry for this variant (Variation ID: 851429). This missense change has been observed in individual(s) with retinitis pigmentosa (PMID: 10980553). This variant is present in population databases (rs754327721, gnomAD 0.006%). This sequence change replaces cysteine, which is neutral and slightly polar, with tyrosine, which is neutral and polar, at codon 253 of the ROM1 protein (p.Cys253Tyr).

Literature cited by the submitters: PubMed 10980553.